The following is an entry in ClinVar:

ClinVar aggregate classification (germline): Uncertain significance (1 of 4 stars; one submission).

Conditions:
Syndromic multisystem autoimmune disease due to ITCH deficiency. Also called: AUTOIMMUNE DISEASE, MULTISYSTEM, WITH FACIAL DYSMORPHISM. Identifiers: Orphanet 228426, MedGen C3150649, MONDO:0013245, OMIM 613385.

Submission:

Labcorp Genetics (formerly Invitae), Labcorp
Classification: Uncertain significance for Syndromic multisystem autoimmune disease due to ITCH deficiency. Last evaluated: 2022-08-24. Review status: criteria provided, single submitter. Criteria: Invitae Variant Classification Sherloc (09022015). Collection method: clinical testing. Allele origin: germline.
Comment: In summary, the available evidence is currently insufficient to determine the role of this variant in disease. Therefore, it has been classified as a Variant of Uncertain Significance. This variant has not been reported in the literature in individuals affected with ITCH-related conditions. This variant results in a copy number gain of the genomic region encompassing exon(s) 1-11 of the ITCH gene. This region includes the initiator codon of the gene. This copy number gain extends beyond the assayed region for this gene and therefore may encompass additional genes. As the precise location of this event is unknown, it may be in tandem or it may be located elsewhere in the genome.

NC_000020.10:g.(?_32868840)_(33033286_?)dup

Genes: AHCY (adenosylhomocysteinase; minus strand), ITCH (itchy E3 ubiquitin protein ligase; plus strand). Cytogenetic location: 20q11.22.
Variant type: Duplication.
Identifiers: ClinVar variation 2426983 (VCV002426983.4).